The following continues an entry in ClinVar:

NM_000257.4(MYH7):c.4377G>T (p.Lys1459Asn)

ClinVar aggregate classification (germline): Likely benign. Likely benign (1).

Submissions 23 to 27 of 27:

CSER _CC_NCGL, University of Washington
Classification: Uncertain significance for Cardiomyopathy, hypertrophic. Last evaluated: 2014-06-01. Review status: criteria provided, single submitter. Criteria: Amendola et al. (Genome Res. 2015). Collection method: research. Allele origin: germline. Inheritance: Autosomal dominant inheritance. Study: ESP 6500 variant annotation. Not counted in ClinVar's aggregate classification.
Comment: Low GERP score may suggest that this variant may belong in a lower pathogenicity class

Variants classified for the Actionable exomic incidental findings in 6503 participants: challenges of variant classification manuscript

Stanford Center for Inherited Cardiovascular Disease, Stanford University
Classification: Likely pathogenic. Last evaluated: 2012-09-06. Review status: criteria provided, single submitter. Criteria: ACMG Guidelines, 2015. Collection method: provider interpretation. Allele origin: germline. Not counted in ClinVar's aggregate classification.

Genetics and Genomics Program, Sidra Medicine
Classification: Likely benign for Hypertrophic cardiomyopathy. Review status: criteria provided, single submitter. Criteria: ACMG Guidelines, 2015. Collection method: research. Allele origin: unknown. Affected: yes. Observed: 1 variant allele. Not counted in ClinVar's aggregate classification.

Laboratory of Genetics and Molecular Cardiology, University of São Paulo
Classification: Likely pathogenic for Hypertrophic cardiomyopathy 1. Review status: criteria provided, single submitter. Criteria: LGCM Criteria August 2015. Collection method: clinical testing. Allele origin: germline. Inheritance: Autosomal dominant inheritance. Affected: yes. Observed: 3 variant alleles. Study: Sarcomeric Human Cardiomyopathy Registry (ShaRe). Not counted in ClinVar's aggregate classification.

Lupski Lab, Baylor-Hopkins CMG, Baylor College of Medicine
Classification: Likely pathogenic for Wolff-Parkinson-White pattern. Last evaluated: 2017-07-14. Review status: no assertion criteria provided. Collection method: research. Allele origin: unknown. Affected: yes. Observed: 1 variant allele. Study: Candidate_variants_in_patients_with_ Wolff-Parkinson-White Syndrome. Not counted in ClinVar's aggregate classification.

Literature cited by the submitters: PubMed 29300372 (cited by 3 submitters); PubMed 15358028 (cited by 8 submitters); PubMed 17125710 (cited by 8 submitters); PubMed 28912206 (cited by Women's Health and Genetics/Laboratory Corporation of America, LabCorp); PubMed 31006259 (cited by Women's Health and Genetics/Laboratory Corporation of America, LabCorp and Mayo Clinic Laboratories, Mayo Clinic); PubMed 28356264 (cited by 4 submitters); PubMed 30847666 (cited by Women's Health and Genetics/Laboratory Corporation of America, LabCorp); PubMed 30871747 (cited by 4 submitters); PubMed 21127202 (cited by 8 submitters); PubMed 19150014 (cited by 7 submitters); PubMed 22765922 (cited by 3 submitters); PubMed 23794396 (cited by Labcorp Genetics (formerly Invitae), Labcorp and Mayo Clinic Laboratories, Mayo Clinic); PubMed 24793961 (cited by 5 submitters); PubMed 33297573 (cited by Labcorp Genetics (formerly Invitae), Labcorp); PubMed 37466024 (cited by Labcorp Genetics (formerly Invitae), Labcorp); PubMed 37937776 (cited by Labcorp Genetics (formerly Invitae), Labcorp); PubMed 23299917 (cited by 3 submitters); PubMed 24093860 (cited by 5 submitters); PubMed 25637381 (cited by 3 submitters); PubMed 27247418 (cited by 3 submitters); PubMed 24714796 (cited by Victorian Clinical Genetics Services, Murdoch Childrens Research Institute); PubMed 15757018 (cited by Laboratory for Molecular Medicine, Mass General Brigham Personalized Medicine); PubMed 23074333 (cited by Laboratory for Molecular Medicine, Mass General Brigham Personalized Medicine); PubMed 25342278 (cited by Illumina Laboratory Services, Illumina); PubMed 22958901 (cited by Agnes Ginges Centre for Molecular Cardiology, Centenary Institute).